The following is an entry in ClinVar:

ClinVar aggregate classification (germline): Uncertain significance. Review status: criteria provided, multiple submitters, no conflicts (2 of 4 stars). 2 submissions from 2 submitters: Uncertain significance (2). Last evaluated 2025-10-06.

Allele frequency attached by ClinVar (database versions not stated): TOPMed below 0.00001; gnomAD exomes 0.00001; ExAC 0.00003.
gnomAD v4.1: 12 of 1,597,642 alleles (0.00075%); highest among the groups gnomAD compares: Non-Finnish European, 0.001%; no homozygotes.

Submissions (2):

Labcorp Genetics (formerly Invitae), Labcorp
Classification: Uncertain significance. Last evaluated: 2025-10-06. Review status: criteria provided, single submitter. Criteria: Invitae Variant Classification Sherloc (09022015). Collection method: clinical testing. Allele origin: germline.
Comment: This sequence change replaces tyrosine, which is neutral and polar, with histidine, which is basic and polar, at codon 261 of the COL11A1 protein (p.Tyr261His). This variant is present in population databases (rs747550115, gnomAD 0.004%). This variant has not been reported in the literature in individuals affected with COL11A1-related conditions. ClinVar contains an entry for this variant (Variation ID: 1926571). An algorithm developed to predict the effect of missense changes on protein structure and function (PolyPhen-2) suggests that this variant is likely to be disruptive. In summary, the available evidence is currently insufficient to determine the role of this variant in disease. Therefore, it has been classified as a Variant of Uncertain Significance.

Blueprint Genetics
Classification: Uncertain significance. Last evaluated: 2024-07-12. Review status: criteria provided, single submitter. Criteria: ACMG Guidelines, 2015. Collection method: clinical testing. Allele origin: germline.

NM_001854.4(COL11A1):c.781T>C (p.Tyr261His)

Gene: COL11A1 (collagen type XI alpha 1 chain; minus strand). Cytogenetic location: 1p21.1.
Variant type: single nucleotide variant.
Coding change: c.781T>C on transcript NM_001854.4 (MANE Select); coding-DNA position 781, T replaced by C.
Protein change: p.Tyr261His; replaces tyrosine 261 with histidine.
Molecular consequence: missense variant. On other transcripts: non-coding transcript variant (1), intron variant (2).
Genome position (GRCh38, 1-based): chr1:103,026,332, A>G on the plus strand (T>C on the coding strand, the complement: COL11A1 is on the minus strand). VCF-style: chr1-103026332-A-G. GRCh37 (hg19) VCF-style: chr1-103491888-A-G.
Other names: c.781T>C, p.Tyr261His (NM_001168249.1, NM_080630.4); c.781-719T>C (NM_001190709.2); c.781-380T>C (NM_080629.3); short protein forms Y261H.
Identifiers: ClinVar variation 1926571 (VCV001926571.6), dbSNP rs747550115, ClinGen allele CA975309.
Genomic context (GRCh38, chr1:103,026,332, plus strand): 5'-CCTCTTTATACTCTGCTTCCCCATACTCATAGTCATATTCGATTATATCCTCTGGTGCAT[A>G]CTACATTGCAAAGGAAAAAATATCAGGCAATTGTGTTAGTGGCAAAATACTATTCACAAA-3'
Protein context (NP_001845.3, residues 251-271): AQAQEPQIDE[Tyr261His]APEDIIEYDY